The following is an entry in ClinVar:

ClinVar aggregate classification (germline): Uncertain significance (1 of 4 stars; one submission).

Allele frequency attached by ClinVar (database versions not stated): gnomAD 0.00002; ESP Exome Variant Server 0.00008; ExAC 0.00003; gnomAD exomes 0.00006; TOPMed 0.00003.
gnomAD v4.1: 87 of 1,614,010 alleles (0.0054%); highest among the groups gnomAD compares: East Asian, 0.0089%; no homozygotes.

Submission:

Labcorp Genetics (formerly Invitae), Labcorp
Classification: Uncertain significance. Last evaluated: 2026-01-05. Review status: criteria provided, single submitter. Criteria: Invitae Variant Classification Sherloc (09022015). Collection method: clinical testing. Allele origin: germline.
Comment: This sequence change replaces asparagine, which is neutral and polar, with serine, which is neutral and polar, at codon 273 of the PRKN protein (p.Asn273Ser). This variant is present in population databases (rs373750972, gnomAD 0.009%). This missense change has been observed in individual(s) with Parkinson disease (PMID: 17766365, 32557143). ClinVar contains an entry for this variant (Variation ID: 2883434). Invitae Evidence Modeling of protein sequence and biophysical properties (such as structural, functional, and spatial information, amino acid conservation, physicochemical variation, residue mobility, and thermodynamic stability) indicates that this missense variant is not expected to disrupt PRKN protein function with a negative predictive value of 80%. Experimental studies are conflicting or provide insufficient evidence to determine the effect of this variant on PRKN function (PMID: 26254305, 30446597). In summary, the available evidence is currently insufficient to determine the role of this variant in disease. Therefore, it has been classified as a Variant of Uncertain Significance.

Literature cited by the submitters: PubMed 17766365; PubMed 32557143; PubMed 26254305; PubMed 30446597.

NM_004562.3(PRKN):c.818A>G (p.Asn273Ser)

Gene: PRKN (parkin RBR E3 ubiquitin protein ligase; minus strand). Cytogenetic location: 6q26.
Variant type: single nucleotide variant.
Coding change: c.818A>G on transcript NM_004562.3 (MANE Select); coding-DNA position 818, A replaced by G.
Protein change: p.Asn273Ser; replaces asparagine 273 with serine.
Molecular consequence: missense variant.
Genome position (GRCh38, 1-based): chr6:161,785,825, T>C on the plus strand (A>G on the coding strand, the complement: PRKN is on the minus strand). VCF-style: chr6-161785825-T-C. GRCh37 (hg19) VCF-style: chr6-162206857-T-C.
Other names: c.734A>G, p.Asn245Ser (NM_013987.3); c.371A>G, p.Asn124Ser (NM_013988.3); short protein forms N124S, N273S, N245S.
Identifiers: ClinVar variation 2883434 (VCV002883434.3), dbSNP rs373750972, ClinGen allele CA4090213.